The following is an entry in ClinVar:

NM_000090.4(COL3A1):c.166G>A (p.Asp56Asn)

Gene: COL3A1 (collagen type III alpha 1 chain; plus strand). Cytogenetic location: 2q32.2.
Variant type: single nucleotide variant.
Coding change: c.166G>A on transcript NM_000090.4 (MANE Select); coding-DNA position 166, G replaced by A.
Protein change: p.Asp56Asn; replaces aspartic acid 56 with asparagine.
Molecular consequence: missense variant.
Genome position (GRCh38, 1-based): chr2:188,984,846, G>A. VCF-style: chr2-188984846-G-A. GRCh37 (hg19) VCF-style: chr2-189849572-G-A.
Other names: short protein forms D56N.
Identifiers: ClinVar variation 2144111 (VCV002144111.5), dbSNP rs1173687812, ClinGen allele CA349847068.
Genomic context (GRCh38, chr2:188,984,846, plus strand): 5'-GGTCAGTCCTATGCGGATAGAGATGTCTGGAAGCCAGAACCATGCCAAATATGTGTCTGT[G>A]ACTCAGGATCCGTTCTCTGCGATGACATAATATGTGACGATCAAGAATTAGACTGCCCCA-3'
Protein context (NP_000081.2, residues 46-66): KPEPCQICVC[Asp56Asn]SGSVLCDDII

ClinVar aggregate classification (germline): Uncertain significance. Review status: criteria provided, multiple submitters, no conflicts (2 of 4 stars). 2 submissions from 2 submitters: Uncertain significance (2). Last evaluated 2024-02-18.

Conditions:
Ehlers-Danlos syndrome, type 4 (EDSVASC). Also called: Ehlers-Danlos syndrome vascular type; Ehlers Danlos syndrome, ecchymotic type; Ehlers Danlos syndrome, arterial type; Ehlers Danlos syndrome, Sack-Barabas type; Ehlers-Danlos Syndrome Type IV. Identifiers: Orphanet 286, MedGen C0268338, MONDO:0017314, OMIM 130050.
Familial thoracic aortic aneurysm and aortic dissection (TAAD). Also called: Thoracic aortic aneurysms and dissections. Identifiers: Orphanet 91387, MedGen C4707243, MONDO:0019625.

Allele frequency attached by ClinVar (database versions not stated): gnomAD exomes below 0.00001.
gnomAD v4.1: 6 of 1,613,268 alleles (0.00037%); highest among the groups gnomAD compares: Admixed American, 0.0033%; no homozygotes.

Submissions (2):

Color Diagnostics, LLC DBA Color Health
Classification: Uncertain significance for Familial thoracic aortic aneurysm and aortic dissection. Last evaluated: 2024-02-18. Review status: criteria provided, single submitter. Criteria: ACMG Guidelines, 2015. Collection method: clinical testing. Allele origin: germline.
Comment: This missense variant replaces aspartic acid with asparagine at codon 56 of the COL3A1 protein. Computational prediction is inconclusive regarding the impact of this variant on protein structure and function (internally defined REVEL score threshold 0.5 < inconclusive < 0.7, PMID: 27666373). To our knowledge, functional studies have not been reported for this variant. This variant has not been reported in individuals affected with COL3A1-related disorders in the literature. This variant has been identified in 2/250904 chromosomes in the general population by the Genome Aggregation Database (gnomAD). The available evidence is insufficient to determine the role of this variant in disease conclusively. Therefore, this variant is classified as a Variant of Uncertain Significance.

Labcorp Genetics (formerly Invitae), Labcorp
Classification: Uncertain significance for Ehlers-Danlos syndrome, type 4. Last evaluated: 2022-08-30. Review status: criteria provided, single submitter. Criteria: Invitae Variant Classification Sherloc (09022015). Collection method: clinical testing. Allele origin: germline.
Comment: This variant is present in population databases (no rsID available, gnomAD 0.003%). This sequence change replaces aspartic acid, which is acidic and polar, with asparagine, which is neutral and polar, at codon 56 of the COL3A1 protein (p.Asp56Asn). In summary, the available evidence is currently insufficient to determine the role of this variant in disease. Therefore, it has been classified as a Variant of Uncertain Significance. Advanced modeling of protein sequence and biophysical properties (such as structural, functional, and spatial information, amino acid conservation, physicochemical variation, residue mobility, and thermodynamic stability) performed at Invitae indicates that this missense variant is not expected to disrupt COL3A1 protein function. This variant has not been reported in the literature in individuals affected with COL3A1-related conditions.